The following is an entry in ClinVar:

NM_000218.3(KCNQ1):c.898G>A (p.Ala300Thr)

Gene: KCNQ1 (potassium voltage-gated channel subfamily Q member 1; plus strand). Cytogenetic location: 11p15.5.
Variant type: single nucleotide variant.
Coding change: c.898G>A on transcript NM_000218.3 (MANE Select); coding-DNA position 898, G replaced by A.
Protein change: p.Ala300Thr; replaces alanine 300 with threonine.
Molecular consequence: missense variant.
Genome position (GRCh38, 1-based): chr11:2,572,963, G>A. VCF-style: chr11-2572963-G-A. GRCh37 (hg19) VCF-style: chr11-2594193-G-A.
Other names: p.A300T:GCA>ACA; c.898G>A, p.Ala300Thr (NM_001406836.1); c.628G>A, p.Ala210Thr (NM_001406837.1); c.517G>A, p.Ala173Thr (NM_181798.2); c.898G>A (LRG_287t1); short protein forms A300T, A173T, A210T.
Identifiers: ClinVar variation 3128 (VCV000003128.44), dbSNP rs120074187, ClinGen allele CA008554.
Genomic context (GRCh38, chr11:2,572,963, plus strand): 5'-GTGTACCTGGCTGAGAAGGACGCGGTGAACGAGTCAGGCCGCGTGGAGTTCGGCAGCTAC[G>A]CAGATGCGCTGTGGTGGGGGGTGGTAAGTCGGAAACTTCCAGGCATGGGGACAGGGGCAG-3'
Protein context (NP_000209.2, residues 290-310): ESGRVEFGSY[Ala300Thr]DALWWGVVTV

ClinVar aggregate classification (germline): Conflicting classifications of pathogenicity. Review status: criteria provided, conflicting classifications (1 of 4 stars). 18 submissions from 16 submitters: Pathogenic (1); Likely pathogenic (5); Uncertain significance (8). 4 of the submissions do not count toward it. Last evaluated 2026-06-30.

Conditions:
Cardiovascular phenotype. Identifiers: MedGen CN230736.
Cardiac arrhythmia. Also called: Arrhythmia; Cardiac rhythm disease. Identifiers: MedGen C0003811, MONDO:0007263, HP:0011675.
KCNQ1-related disorder. Also called: KCNQ1-related condition; KCNQ1-related disorders. Identifiers: MedGen CN239322.
Long QT syndrome (LQTS). Identifiers: MedGen C0023976, MeSH D008133, MONDO:0002442. Disease mechanism: loss of function. Inheritance: Various modes of inheritance.
Long QT syndrome 1 (LQT1). Identifiers: Orphanet 101016, Orphanet 768, MedGen C4551647, MONDO:0100316, OMIM 192500, MONDO:0008646.
Jervell and Lange-Nielsen syndrome 1 (JLNS1). Also called: CARDIOAUDITORY SYNDROME OF JERVELL AND LANGE-NIELSEN; PROLONGED QT INTERVAL IN EKG AND SUDDEN DEATH; SURDO-CARDIAC SYNDROME; DEAFNESS, CONGENITAL, AND FUNCTIONAL HEART DISEASE. Identifiers: Orphanet 768, Orphanet 90647, MedGen C4551509, MONDO:0024540, OMIM 220400.
Atrial fibrillation, familial, 3 (ATFB3). Identifiers: MedGen C1837014, MONDO:0011857, OMIM 607554.

Allele frequency attached by ClinVar (database versions not stated): gnomAD 0.00002; ExAC 0.00003; TOPMed 0.00003; gnomAD exomes 0.00005.
gnomAD v4.1: 33 of 1,613,624 alleles (0.002%); highest among the groups gnomAD compares: Admixed American, 0.032%; no homozygotes.

Submissions 1 to 4 of 18:

PreventionGenetics, part of Exact Sciences
Classification: Likely pathogenic for KCNQ1-related condition. Last evaluated: 2026-06-30. Review status: criteria provided, single submitter. Criteria: ACMG Guidelines, 2015. Collection method: clinical testing. Allele origin: germline.
Comment: The KCNQ1 c.898G>A variant is predicted to result in the amino acid substitution p.Ala300Thr. This variant has been reported in the homozygous state in a patient with normal hearing, a prolonged QT interval, and syncopal episodes during physical exercise (Priori et al. 1998. PubMed ID: 9641694). This variant has also been reported in the compound heterozygous state along with a second potentially causative variant in a patient with sudden unexplained death and no known hearing loss (Antúnez-Argüelles et al. 2017. PubMed ID: 28600177). Between the two families the three heterozygous parents and one heterozygous sibling were unaffected with normal QT intervals. Functional studies show reduced potassium channel current without a dominant negative effect, which corresponds with an autosomal recessive phenotypic presentation in affected individuals (Bianchi et al. 2000. PubMed ID: 11087258). This variant is reported in 0.026% of alleles in individuals of Latino descent in gnomAD. Alternate nucleotide changes affecting the same amino acid have been reported in individuals with dilated cardiomyopathy (p.Ala300Gly) and long QT syndrome type 1 (p.Ala300Glu) (Stroeks et al. 2023. PubMed ID: 37198425; Schwartz et al. 2021. PubMed ID: 34505893). This variant has conflicting classifications listed in ClinVar ranging from uncertain to pathogenic (ClinVar ID: 3128). This variant is interpreted as uncertain in the context of autosomal dominant disease, and as likely pathogenic in the context of autosomal recessive KCNQ1 disorder.

Ambry Genetics
Classification: Likely pathogenic for Cardiovascular phenotype. Last evaluated: 2025-10-17. Review status: criteria provided, single submitter. Criteria: Ambry Variant Classification Scheme 2023. Collection method: clinical testing. Allele origin: germline.
Comment: The c.898G>A (p.A300T) alteration is located in exon 6 (coding exon 6) of the KCNQ1 gene. This alteration results from a G to A substitution at nucleotide position 898, causing the alanine (A) at amino acid position 300 to be replaced by a threonine (T). Based on the majority of available evidence to date, this variant is likely to be pathogenic; however, in the heterozygous state, this variant may present with reduced penetrance and expressivity. Based on data from gnomAD, the A allele has an overall frequency of 0.005% (12/249914) total alleles studied. The highest observed frequency was 0.026% (9/34512) of Latino alleles. This variant has been identified in the homozygous state in individual(s) with a clinical diagnoses of long QT syndrome (LQTS) in the presence of normal hearing, thus atypical of autosomal recessive Jervell and Lange-Nielsen syndrome (JLNS). In these families, this variant has been detected in unaffected heterozygous relatives, suggesting an autosomal recessive cardiovascular phenotype or co-segregation with incomplete penetrance (Priori, 1998; Riur&oacute;, 2015; Agudelo, 2021). This amino acid position is highly conserved in available vertebrate species. This alteration is predicted to be deleterious by in silico analysis. Based on the available evidence, this alteration is classified as likely pathogenic.

Labcorp Genetics (formerly Invitae), Labcorp
Classification: Likely pathogenic for Long QT syndrome. Last evaluated: 2025-09-16. Review status: criteria provided, single submitter. Criteria: Invitae Variant Classification Sherloc (09022015). Collection method: clinical testing. Allele origin: germline.
Comment: This sequence change replaces alanine, which is neutral and non-polar, with threonine, which is neutral and polar, at codon 300 of the KCNQ1 protein (p.Ala300Thr). This variant is present in population databases (rs120074187, gnomAD 0.03%). This missense change has been observed in individuals with autosomal dominant long QT syndrome and/or autosomal recessive long QT syndrome or unexpected sudden death without hearing loss typically associated with autosomal recessive Jervell and Lange-Nielsen syndrome (PMID: 9641694, 27251404, 28600177, 34505893; internal data). ClinVar contains an entry for this variant (Variation ID: 3128). Invitae Evidence Modeling of protein sequence and biophysical properties (such as structural, functional, and spatial information, amino acid conservation, physicochemical variation, residue mobility, and thermodynamic stability) indicates that this missense variant is expected to disrupt KCNQ1 protein function with a positive predictive value of 95%. Experimental studies have shown that this missense change affects KCNQ1 function (PMID: 9641694, 11087258, 30571187, 33693037). This variant disrupts the p.Ala300 amino acid residue in KCNQ1. Other variant(s) that disrupt this residue have been determined to be pathogenic (internal data). This suggests that this residue is clinically significant, and that variants that disrupt this residue are likely to be disease-causing. In summary, the currently available evidence indicates that the variant is pathogenic, but additional data are needed to prove that conclusively. Therefore, this variant has been classified as Likely Pathogenic.

Women's Health and Genetics/Laboratory Corporation of America, LabCorp
Classification: Likely pathogenic for Long QT syndrome. Last evaluated: 2025-08-25. Review status: criteria provided, single submitter. Criteria: LabCorp Variant Classification Summary - May 2015. Collection method: clinical testing. Allele origin: germline.
Comment: Variant summary: KCNQ1 c.898G>A (p.Ala300Thr) results in a non-conservative amino acid change located in the Ion transport domain (IPR005821) of the encoded protein sequence. Algorithms developed to predict the effect of missense changes on protein structure and function all suggest that this variant is likely to be disruptive. The variant allele was found at a frequency of 4.8e-05 in 249914 control chromosomes. This frequency is not significantly higher than estimated for disease-causing variants in KCNQ1, allowing no conclusion about variant significance. c.898G>A has been observed in individual(s) affected with autosomal dominant long QT syndrome and/or autosomal recessive long QT syndrome or unexpected sudden death without hearing loss typically associated with autosomal recessive Jervell and Lange-Nielsen syndrome (examples: Priori_ 1998, Antunez-Arguelles_ 2012, Burgos_ 2016, internal data). Multiple reports have shown experimental evidence that this variant affects the normal protein function (Priori_ 1998, Bianchi_ 2000) and at-least one report showed it is consistent with a recessive trait (Gonzalez-Garrido_ 2021). The following publications have been ascertained in the context of this evaluation (PMID: 28600177, 11087258, 27251404, 33693037, 9641694, 39486665). ClinVar contains an entry for this variant (Variation ID: 3128). Based on the evidence outlined above, the variant was classified as likely pathogenic.